The following is an entry in ClinVar:

NM_001369.3(DNAH5):c.8224+18G>A

Gene: DNAH5 (dynein axonemal heavy chain 5; minus strand). Cytogenetic location: 5p15.2.
Variant type: single nucleotide variant.
Coding change: c.8224+18G>A on transcript NM_001369.3 (MANE Select); 18 bases into the intron after coding-DNA position 8224, G replaced by A.
Molecular consequence: intron variant.
Genome position (GRCh38, 1-based): chr5:13,793,497, C>T on the plus strand (G>A on the coding strand, the complement: DNAH5 is on the minus strand). VCF-style: chr5-13793497-C-T. GRCh37 (hg19) VCF-style: chr5-13793606-C-T.
Other names: c.8224+18G>A (NM_001369.2).
Identifiers: ClinVar variation 1660228 (VCV001660228.9), dbSNP rs183622722, ClinGen allele CA3202869.

ClinVar aggregate classification (germline): Conflicting classifications of pathogenicity. Review status: criteria provided, conflicting classifications (1 of 4 stars). 2 submissions from 2 submitters: Uncertain significance (1); Likely benign (1). Last evaluated 2025-12-17.

Conditions:
Primary ciliary dyskinesia. Also called: Ciliary dyskinesia. Identifiers: Orphanet 244, MedGen C0008780, MONDO:0016575, HP:0012265.

Allele frequency attached by ClinVar (database versions not stated): ExAC 0.00002; gnomAD exomes 0.00003; gnomAD 0.00036 and 0.00040; 1000 Genomes Project 0.00040; 1000 Genomes Project 30x 0.00047; TOPMed 0.00073.
gnomAD v4.1: 92 of 1,604,468 alleles (0.0057%); highest among the groups gnomAD compares: Admixed American, 0.13%; 1 homozygote.

Submissions (2):

Labcorp Genetics (formerly Invitae), Labcorp
Classification: Likely benign for Primary ciliary dyskinesia. Last evaluated: 2025-12-17. Review status: criteria provided, single submitter. Criteria: Invitae Variant Classification Sherloc (09022015). Collection method: clinical testing. Allele origin: germline.

Ambry Genetics
Classification: Uncertain significance for Primary ciliary dyskinesia. Last evaluated: 2015-08-11. Review status: criteria provided, single submitter. Criteria: Ambry Variant Classification Scheme 2023. Collection method: clinical testing. Allele origin: germline.
Comment: The c.8224+18G>A intronic alteration consists of a G to A substitution 8 nucleotides after coding exon 49 in the DNAH5 gene. Based on insufficient or conflicting evidence, the clinical significance of this alteration remains unclear.